The following is an entry in ClinVar:

ClinVar aggregate classification (germline): Likely benign (1 of 4 stars; one submission).

Allele frequency attached by ClinVar (database versions not stated): ExAC 0.00057; gnomAD exomes 0.00059 and 0.00029; 1000 Genomes Project 30x 0.00141; 1000 Genomes Project 0.00120; ESP Exome Variant Server 0.00195; gnomAD 0.00214 and 0.00217.
gnomAD v4.1: 670 of 1,378,352 alleles (0.049%); highest among the groups gnomAD compares: African/African-American, 0.76%; 120 homozygotes.

Submission:

CeGaT Center for Human Genetics Tuebingen
Classification: Likely benign. Last evaluated: 2023-07-01. Review status: criteria provided, single submitter. Criteria: CeGaT Center For Human Genetics Tuebingen Variant Classification Criteria Version 2. Collection method: clinical testing. Allele origin: germline. Affected: yes. Observed: 1 variant allele.
Comment: RHD: BP4, BP7, BS2

NM_016124.6(RHD):c.957G>A (p.Val319=)

Genes: RHD (Rh blood group D antigen; plus strand), RSRP1 (arginine and serine rich protein 1; minus strand). Cytogenetic location: 1p36.11.
Variant type: single nucleotide variant.
Coding change: c.957G>A on transcript NM_016124.6 (MANE Select); coding-DNA position 957, G replaced by A.
Protein change: p.Val319=; no amino-acid change (valine 319 retained).
Molecular consequence: synonymous variant. On other transcripts: non-coding transcript variant (1), intron variant (3).
Genome position (GRCh38, 1-based): chr1:25,306,613, G>A. VCF-style: chr1-25306613-G-A. GRCh37 (hg19) VCF-style: chr1-25633104-G-A.
Other names: c.459G>A, p.Val153= (NM_001282867.1); c.957G>A, p.Val319= (NM_001282869.2, NM_001282870.1, NM_001282871.2 and 1 more transcripts); c.-67+30427C>T (NM_001321772.2); c.939+3154G>A (NM_001282868.1, NM_001127691.3).
Identifiers: ClinVar variation 242594 (VCV000242594.23), dbSNP rs146292192, ClinGen allele CA354102.
Genomic context (GRCh38, chr1:25,306,613, plus strand): 5'-GGGTCTCACCTGCCAATCTGCTTATAATAACACTTGTCCACAGGGGTGTTGTAACCGAGT[G>A]CTGGGGATTCCCCACAGCTCCATCATGGGCTACAACTTCAGCTTGCTGGGTCTGCTTGGA-3'
Protein context (NP_057208.3, residues 309-329): AKYLPGCCNR[Val319=]LGIPHSSIMG